The following is an entry in ClinVar:

NM_001844.5(COL2A1):c.609+251A>G

Gene: COL2A1 (collagen type II alpha 1 chain; minus strand). Cytogenetic location: 12q13.11.
Variant type: single nucleotide variant.
Coding change: c.609+251A>G on transcript NM_001844.5 (MANE Select); 251 bases into the intron after coding-DNA position 609, A replaced by G.
Molecular consequence: intron variant.
Genome position (GRCh38, 1-based): chr12:47,996,297, T>C on the plus strand (A>G on the coding strand, the complement: COL2A1 is on the minus strand). VCF-style: chr12-47996297-T-C. GRCh37 (hg19) VCF-style: chr12-48390080-T-C.
Other names: c.402+251A>G (NM_033150.3).
Identifiers: ClinVar variation 683339 (VCV000683339.1), dbSNP rs1793959, ClinGen allele CA13588319.

ClinVar aggregate classification (germline): Benign (1 of 4 stars; one submission).

Allele frequency attached by ClinVar (database versions not stated): gnomAD 0.93738 and 0.93787; TOPMed 0.94539; 1000 Genomes Project 30x 0.96346; 1000 Genomes Project 0.96366.
gnomAD v4.1: 142,861 of 152,302 alleles (94%); highest among the groups gnomAD compares: East Asian, 100%; 67,095 homozygotes.

Submission:

GeneDx
Classification: Benign. Last evaluated: 2018-06-18. Review status: criteria provided, single submitter. Criteria: GeneDx Variant Classification (06012015). Collection method: clinical testing. Allele origin: germline. Affected: yes.
Comment: This variant is considered likely benign or benign based on one or more of the following criteria: it is a conservative change, it occurs at a poorly conserved position in the protein, it is predicted to be benign by multiple in silico algorithms, and/or has population frequency not consistent with disease.